The following is an entry in ClinVar:

ClinVar aggregate classification (germline): Uncertain significance. Review status: criteria provided, multiple submitters, no conflicts (2 of 4 stars). 2 submissions from 2 submitters: Uncertain significance (2). Last evaluated 2022-11-01.

Allele frequency attached by ClinVar (database versions not stated): gnomAD 0.00004; TOPMed 0.00009; ExAC 0.00012; gnomAD exomes 0.00012.
gnomAD v4.1: 156 of 1,613,982 alleles (0.0097%); highest among the groups gnomAD compares: Middle Eastern, 0.033%; no homozygotes.

Submissions (2):

Labcorp Genetics (formerly Invitae), Labcorp
Classification: Uncertain significance. Last evaluated: 2022-11-01. Review status: criteria provided, single submitter. Criteria: Invitae Variant Classification Sherloc (09022015). Collection method: clinical testing. Allele origin: germline.
Comment: The COL18A1 gene has multiple clinically relevant transcripts. This variant occurs in alternate transcript NM_030582.4, and corresponds to NM_130445.2:c.107-12533C>T in the primary transcript. This sequence change replaces threonine, which is neutral and polar, with isoleucine, which is neutral and non-polar, at codon 60 of the COL18A1 protein (p.Thr60Ile). This variant is present in population databases (rs199929202, gnomAD 0.02%). This variant has not been reported in the literature in individuals affected with COL18A1-related conditions. ClinVar contains an entry for this variant (Variation ID: 1047154). Experimental studies and prediction algorithms are not available or were not evaluated, and the functional significance of this variant is currently unknown. Algorithms developed to predict the effect of sequence changes on RNA splicing suggest that this variant is not likely to affect RNA splicing. In summary, the available evidence is currently insufficient to determine the role of this variant in disease. Therefore, it has been classified as a Variant of Uncertain Significance.

Breakthrough Genomics
Classification: Uncertain significance. Review status: criteria provided, single submitter. Criteria: ACMG Guidelines, 2015. Collection method: not provided. Allele origin: germline. Inheritance: Autosomal dominant inheritance. Affected: yes.

NM_001379500.1(COL18A1):c.107-12533C>T

Gene: COL18A1 (collagen type XVIII alpha 1 chain; plus strand). Cytogenetic location: 21q22.3.
Variant type: single nucleotide variant.
Coding change: c.107-12533C>T on transcript NM_001379500.1 (MANE Select); 12533 bases into the intron before coding-DNA position 107, C replaced by T.
Molecular consequence: intron variant. On other transcripts: missense variant (2).
Genome position (GRCh38, 1-based): chr21:45,455,709, C>T. VCF-style: chr21-45455709-C-T. GRCh37 (hg19) VCF-style: chr21-46875623-C-T.
Other names: c.179C>T, p.Thr60Ile (NM_030582.4, NM_130444.3); short protein forms T60I.
Identifiers: ClinVar variation 1047154 (VCV001047154.4), dbSNP rs199929202, ClinGen allele CA10065402.